The following is an entry in ClinVar:

NM_005045.4(RELN):c.7054G>A (p.Asp2352Asn)

Gene: RELN (reelin; minus strand). Cytogenetic location: 7q22.1.
Variant type: single nucleotide variant.
Coding change: c.7054G>A on transcript NM_005045.4 (MANE Select); coding-DNA position 7054, G replaced by A.
Protein change: p.Asp2352Asn; replaces aspartic acid 2352 with asparagine.
Molecular consequence: missense variant.
Genome position (GRCh38, 1-based): chr7:103,539,204, C>T on the plus strand (G>A on the coding strand, the complement: RELN is on the minus strand). VCF-style: chr7-103539204-C-T. GRCh37 (hg19) VCF-style: chr7-103179651-C-T.
Other names: c.7054G>A, p.Asp2352Asn (NM_173054.3); short protein forms D2352N.
Identifiers: ClinVar variation 2950611 (VCV002950611.3), dbSNP rs375751630, ClinGen allele CA368769249.

ClinVar aggregate classification (germline): Uncertain significance (1 of 4 stars; one submission).

Conditions:
Norman-Roberts syndrome (LIS2). Also called: Lissencephaly 2 (Norman-Roberts type). Identifiers: Orphanet 89844, MedGen C0796089, MONDO:0009760, OMIM 257320.
Familial temporal lobe epilepsy 7. Identifiers: Orphanet 101046, MedGen C4225327, MONDO:0014639, OMIM 616436.

Allele frequency attached by ClinVar (database versions not stated): gnomAD exomes below 0.00001.
gnomAD v4.1: 1 of 1,614,242 alleles (0.000062%); highest among the groups gnomAD compares: Non-Finnish European, 0.000085%; no homozygotes.

Submission:

Labcorp Genetics (formerly Invitae), Labcorp
Classification: Uncertain significance for Familial temporal lobe epilepsy 7; Norman-Roberts syndrome. Last evaluated: 2023-11-18. Review status: criteria provided, single submitter. Criteria: Invitae Variant Classification Sherloc (09022015). Collection method: clinical testing. Allele origin: germline.
Comment: This sequence change replaces aspartic acid, which is acidic and polar, with asparagine, which is neutral and polar, at codon 2352 of the RELN protein (p.Asp2352Asn). This variant is not present in population databases (gnomAD no frequency). This variant has not been reported in the literature in individuals affected with RELN-related conditions. Advanced modeling of protein sequence and biophysical properties (such as structural, functional, and spatial information, amino acid conservation, physicochemical variation, residue mobility, and thermodynamic stability) performed at Invitae indicates that this missense variant is not expected to disrupt RELN protein function with a negative predictive value of 80%. In summary, the available evidence is currently insufficient to determine the role of this variant in disease. Therefore, it has been classified as a Variant of Uncertain Significance.